The following is an entry in ClinVar:

ClinVar aggregate classification (germline): Pathogenic (1 of 4 stars; one submission).

Submission:

Labcorp Genetics (formerly Invitae), Labcorp
Classification: Pathogenic. Last evaluated: 2023-09-11. Review status: criteria provided, single submitter. Criteria: Invitae Variant Classification Sherloc (09022015). Collection method: clinical testing. Allele origin: germline.
Comment: For these reasons, this variant has been classified as Pathogenic. Isolated whole-gene deletions of AP3B2 have not been reported in the literature. However, larger copy number events that include this gene have been reported (PMID: 20921022). A gross deletion of the genomic region encompassing the full coding sequence of the AP3B2 gene has been identified. Loss-of-function variants in AP3B2 are known to be pathogenic (PMID: 27889060). The boundaries of this event are unknown as they extend beyond the assayed region for this gene and therefore may encompass additional genes.

Literature cited by the submitters: PubMed 20921022; PubMed 27889060.

NC_000015.9:g.(?_83328312)_(83621287_?)del

Genes: AP3B2 (adaptor related protein complex 3 subunit beta 2; minus strand), FSD2 (fibronectin type III and SPRY domain containing 2; minus strand), HOMER2 (homer scaffold protein 2; minus strand), SCARNA15 (small Cajal body-specific RNA 15; plus strand), WHAMM (WASP homolog associated with actin, golgi membranes and microtubules; plus strand). Cytogenetic location: 15q25.2.
Variant type: Deletion.
Identifiers: ClinVar variation 2425191 (VCV002425191.4).